The following is an entry in ClinVar:

ClinVar aggregate classification (germline): Likely benign. Review status: criteria provided, multiple submitters, no conflicts (2 of 4 stars). 2 submissions from 2 submitters: Likely benign (2). Last evaluated 2024-04-10.

Conditions:
Dilated cardiomyopathy 1G (CMD1G). Identifiers: Orphanet 154, MedGen C1858763, MONDO:0011400, OMIM 604145.
Autosomal recessive limb-girdle muscular dystrophy type 2J (LGMDR10). Also called: Limb-girdle muscular dystrophy, type 2J; MUSCULAR DYSTROPHY, LIMB-GIRDLE, AUTOSOMAL RECESSIVE 10. Identifiers: Orphanet 140922, MedGen C1837342, MONDO:0012127, OMIM 608807.

Allele frequency attached by ClinVar (database versions not stated): gnomAD exomes below 0.00001.
gnomAD v4.1: 1 of 1,613,764 alleles (0.000062%); highest among the groups gnomAD compares: Non-Finnish European, 0.000085%; no homozygotes.

Submissions (2):

Labcorp Genetics (formerly Invitae), Labcorp
Classification: Likely benign for Dilated cardiomyopathy 1G; Autosomal recessive limb-girdle muscular dystrophy type 2J. Last evaluated: 2024-04-10. Review status: criteria provided, single submitter. Criteria: Invitae Variant Classification Sherloc (09022015). Collection method: clinical testing. Allele origin: germline.

GeneDx
Classification: Likely benign. Last evaluated: 2017-03-01. Review status: criteria provided, single submitter. Criteria: GeneDx Variant Classification (06012015). Collection method: clinical testing. Allele origin: germline. Affected: yes.
Comment: This variant is considered likely benign or benign based on one or more of the following criteria: it is a conservative change, it occurs at a poorly conserved position in the protein, it is predicted to be benign by multiple in silico algorithms, and/or has population frequency not consistent with disease.

NM_001267550.2(TTN):c.89964T>C (p.Ser29988=)

Genes: TTN (titin; minus strand), TTN-AS1 (TTN antisense RNA 1; plus strand). Cytogenetic location: 2q31.2.
Variant type: single nucleotide variant.
Coding change: c.89964T>C on transcript NM_001267550.2 (MANE Select); coding-DNA position 89964, T replaced by C.
Protein change: p.Ser29988=; no amino-acid change (serine 29988 retained).
Molecular consequence: synonymous variant.
Genome position (GRCh38, 1-based): chr2:178,552,936, A>G on the plus strand (T>C on the coding strand, the complement: TTN is on the minus strand). VCF-style: chr2-178552936-A-G. GRCh37 (hg19) VCF-style: chr2-179417663-A-G.
Other names: c.85041T>C, p.Ser28347= (NM_001256850.1); c.62769T>C, p.Ser20923= (NM_003319.4); c.82260T>C, p.Ser27420= (NM_133378.4); c.63144T>C, p.Ser21048= (NM_133432.3); c.63345T>C, p.Ser21115= (NM_133437.4).
Identifiers: ClinVar variation 507849 (VCV000507849.3), dbSNP rs1553540821, ClinGen allele CA430246043.